The following is an entry in ClinVar:

NM_199242.3(UNC13D):c.2954+432del

Gene: UNC13D (unc-13 homolog D; minus strand). Cytogenetic location: 17q25.1.
Variant type: Deletion.
Coding change: c.2954+432del on transcript NM_199242.3 (MANE Select); 432 bases into the intron after coding-DNA position 2954, one base deleted (A; older notation c.2954+432delA).
Molecular consequence: intron variant.
Genome position (GRCh38, 1-based): chr17:75,829,596, T deleted on the plus strand (A on the coding strand, the reverse complement: UNC13D is on the minus strand); the first of 21 consecutive T bases (chr17:75,829,596-75,829,616); deleting any one gives the same sequence. VCF-style (leftmost placement, unchanged base first): chr17-75829595-CT-C. GRCh37 (hg19) VCF-style: chr17-73825676-CT-C.
Other names: c.2954+432delA (NM_199242.3, NM_199242.2).
Identifiers: ClinVar variation 2576323 (VCV002576323.4), dbSNP rs140737868, ClinGen allele CA294084408.

ClinVar aggregate classification (germline): Benign. Review status: criteria provided, single submitter (1 of 4 stars). 2 submissions from 2 submitters: Benign (1). 1 of the submissions does not count toward it. Last evaluated 2025-03-04.

Conditions:
UNC13D-related disorder. Also called: UNC13D-related condition.

Submissions (2):

Center for Genomic Medicine, Rigshospitalet, Copenhagen University Hospital
Classification: Benign. Last evaluated: 2025-03-04. Review status: criteria provided, single submitter. Criteria: ACMG Guidelines, 2015. Collection method: clinical testing. Allele origin: germline.

PreventionGenetics, part of Exact Sciences
Classification: Likely benign for UNC13D-related condition. Last evaluated: 2021-05-03. Review status: no assertion criteria provided. Collection method: clinical testing. Allele origin: germline. Not counted in ClinVar's aggregate classification.
Comment: This variant is classified as likely benign based on ACMG/AMP sequence variant interpretation guidelines (Richards et al. 2015 PMID: 25741868, with internal and published modifications).